The following is an entry in ClinVar:

ClinVar aggregate classification (germline): Likely benign. Review status: criteria provided, single submitter (1 of 4 stars). 2 submissions from 2 submitters: Likely benign (1). 1 of the submissions does not count toward it. Last evaluated 2024-11-20.

Conditions:
KATNIP-related disorder. Also called: KATNIP-related condition.

Allele frequency attached by ClinVar (database versions not stated): 1000 Genomes Project 30x 0.00016; ExAC 0.00017; 1000 Genomes Project 0.00020; ESP Exome Variant Server 0.00031; TOPMed 0.00038; gnomAD 0.00044.
gnomAD v4.1: 711 of 1,613,642 alleles (0.044%); highest among the groups gnomAD compares: Non-Finnish European, 0.057%; no homozygotes.

Submissions (2):

Blueprint Genetics
Classification: Likely benign. Last evaluated: 2024-11-20. Review status: criteria provided, single submitter. Criteria: ACMG Guidelines, 2015. Collection method: clinical testing. Allele origin: germline.

PreventionGenetics, part of Exact Sciences
Classification: Likely benign for KATNIP-related condition. Last evaluated: 2019-05-31. Review status: no assertion criteria provided. Collection method: clinical testing. Allele origin: germline. Not counted in ClinVar's aggregate classification.
Comment: This variant is classified as likely benign based on ACMG/AMP sequence variant interpretation guidelines (Richards et al. 2015 PMID: 25741868, with internal and published modifications).

NM_015202.5(KATNIP):c.4801+3C>T

Gene: KATNIP (katanin interacting protein; plus strand). Cytogenetic location: 16p12.1.
Variant type: single nucleotide variant.
Coding change: c.4801+3C>T on transcript NM_015202.5 (MANE Select); 3 bases into the intron after coding-DNA position 4801, C replaced by T.
Molecular consequence: intron variant.
Genome position (GRCh38, 1-based): chr16:27,777,972, C>T. VCF-style: chr16-27777972-C-T. GRCh37 (hg19) VCF-style: chr16-27789293-C-T.
Identifiers: ClinVar variation 3043602 (VCV003043602.3), dbSNP rs199505103, ClinGen allele CA7978776.
Genomic context (GRCh38, chr16:27,777,972, plus strand): 5'-ATGAATGAAAACCAAATCATTACCAACGCGAAACGGAAGCAGAGCGTTGTTGACCCAGGT[C>T]AGTGGCGTTTCTCTGCCCAGAGCATTGTGCCTTGGGAGCTCGGTCTGAATATAGAAGGAG-3'